The following is an entry in ClinVar:

NM_005228.5(EGFR):c.1881-717G>A

Gene: EGFR (epidermal growth factor receptor; plus strand). Cytogenetic location: 7p11.2.
Variant type: single nucleotide variant.
Coding change: c.1881-717G>A on transcript NM_005228.5 (MANE Select); 717 bases into the intron before coding-DNA position 1881, G replaced by A.
Molecular consequence: intron variant. On other transcripts: missense variant (1).
Genome position (GRCh38, 1-based): chr7:55,170,458, G>A. VCF-style: chr7-55170458-G-A. GRCh37 (hg19) VCF-style: chr7-55238151-G-A.
Other names: c.2032G>A, p.Glu678Lys (NM_201284.2); c.1746-717G>A (NM_001346899.2, NM_001346897.2); c.1080-717G>A (NM_001346941.2); c.1881-717G>A (NM_001346898.2); c.1722-717G>A (NM_001346900.2); short protein forms E678K.
Identifiers: ClinVar variation 5035757 (VCV005035757.1).

ClinVar aggregate classification (germline): Uncertain significance (1 of 4 stars; one submission).

Conditions:
Hereditary cancer-predisposing syndrome. Also called: Hereditary Cancer Syndrome; Neoplastic Syndromes, Hereditary; Tumor predisposition; Hereditary neoplastic syndrome. Identifiers: Orphanet 140162, MedGen C0027672, MeSH D009386, MONDO:0015356.

Submission:

Ambry Genetics
Classification: Uncertain significance for Hereditary cancer-predisposing syndrome. Last evaluated: 2026-07-07. Review status: criteria provided, single submitter. Criteria: Ambry Variant Classification Scheme 2023. Collection method: clinical testing. Allele origin: germline.
Comment: The p.E678K variant (also known as c.2032G>A), located in coding exon 16 of the EGFR gene, results from a G to A substitution at nucleotide position 2032. The glutamic acid at codon 678 is replaced by lysine, an amino acid with similar properties. This amino acid position is conserved. In addition, this alteration is predicted to be tolerated by in silico analysis. Based on the available evidence, the clinical significance of this variant remains unclear.